The following is an entry in ClinVar:

ClinVar aggregate classification (germline): Uncertain significance. Review status: criteria provided, multiple submitters, no conflicts (2 of 4 stars). 2 submissions from 2 submitters: Uncertain significance (2). Last evaluated 2024-04-29.

Conditions:
Brown-Vialetto-van Laere syndrome 2. Also called: Riboflavin transporter deficiency type 2; SPINOCEREBELLAR ATAXIA WITH BLINDNESS AND DEAFNESS 2. Identifiers: Orphanet 572543, Orphanet 97229, MedGen C3553538, MONDO:0013867, OMIM 614707.

Allele frequency attached by ClinVar (database versions not stated): gnomAD 0.00003.

Submissions (2):

Blueprint Genetics
Classification: Uncertain significance. Last evaluated: 2024-04-29. Review status: criteria provided, single submitter. Criteria: ACMG Guidelines, 2015. Collection method: clinical testing. Allele origin: germline.

Labcorp Genetics (formerly Invitae), Labcorp
Classification: Uncertain significance for Brown-Vialetto-van Laere syndrome 2. Last evaluated: 2020-11-15. Review status: criteria provided, single submitter. Criteria: Invitae Variant Classification Sherloc (09022015). Collection method: clinical testing. Allele origin: germline.
Comment: In summary, the available evidence is currently insufficient to determine the role of this variant in disease. Therefore, it has been classified as a Variant of Uncertain Significance. Algorithms developed to predict the effect of missense changes on protein structure and function output the following: SIFT: "Tolerated"; PolyPhen-2: "Benign"; Align-GVGD: "Class C0". The asparagine amino acid residue is found in multiple mammalian species, suggesting that this missense change does not adversely affect protein function. These predictions have not been confirmed by published functional studies and their clinical significance is uncertain. This variant has not been reported in the literature in individuals with SLC52A2-related disease. This variant is not present in population databases (ExAC no frequency). This sequence change replaces serine with asparagine at codon 394 of the SLC52A2 protein (p.Ser394Asn). The serine residue is moderately conserved and there is a small physicochemical difference between serine and asparagine.

NM_001363118.2(SLC52A2):c.1181G>A (p.Ser394Asn)

Gene: SLC52A2 (solute carrier family 52 member 2; plus strand). Cytogenetic location: 8q24.3.
Variant type: single nucleotide variant.
Coding change: c.1181G>A on transcript NM_001363118.2 (MANE Select); coding-DNA position 1181, G replaced by A.
Protein change: p.Ser394Asn; replaces serine 394 with asparagine.
Molecular consequence: missense variant. On other transcripts: non-coding transcript variant (1).
Genome position (GRCh38, 1-based): chr8:144,360,858, G>A. VCF-style: chr8-144360858-G-A. GRCh37 (hg19) VCF-style: chr8-145584518-G-A.
Other names: c.1181G>A, p.Ser394Asn (NM_001253815.2, NM_001253816.2, NM_001363120.2 and 2 more transcripts); c.689G>A, p.Ser230Asn (NM_001363122.2); short protein forms S394N, S230N.
Identifiers: ClinVar variation 576985 (VCV000576985.5), dbSNP rs1564657964, ClinGen allele CA372629478.
Genomic context (GRCh38, chr8:144,360,858, plus strand): 5'-CTCAGGTGCTGTCGTGGGTGCTGTGTCTTGGCGTGTTCTCCTACGTGAAGGTGGCAGCCA[G>A]CTCCCTGCTGCATGGCGGGGGCCGGCCGGCATTGCTGGCAGCCGGCGTGGCCATCCAGGT-3'
Protein context (NP_001350047.1, residues 384-404): GVFSYVKVAA[Ser394Asn]SLLHGGGRPA